The following is an entry in ClinVar:

NM_207037.2(TCF12):c.1139G>T (p.Gly380Val)

Gene: TCF12 (transcription factor 12; plus strand). Cytogenetic location: 15q21.3.
Variant type: single nucleotide variant.
Coding change: c.1139G>T on transcript NM_207037.2 (MANE Select); coding-DNA position 1139, G replaced by T.
Protein change: p.Gly380Val; replaces glycine 380 with valine.
Molecular consequence: missense variant.
Genome position (GRCh38, 1-based): chr15:57,251,374, G>T. VCF-style: chr15-57251374-G-T. GRCh37 (hg19) VCF-style: chr15-57543572-G-T.
Other names: c.629G>T, p.Gly210Val (NM_001306219.3, NM_207040.2); c.431G>T, p.Gly144Val (NM_001306220.3); c.1139G>T, p.Gly380Val (NM_001322151.2, NM_001322152.2, NM_001322157.3 and 7 more transcripts); c.482G>T, p.Gly161Val (NM_001322154.2); c.965G>T, p.Gly322Val (NM_001322156.2, NM_001322158.2); c.1175G>T, p.Gly392Val (NM_001322164.2); short protein forms G144V, G161V, G210V, G322V, G380V, G392V.
Identifiers: ClinVar variation 3363667 (VCV003363667.2).

ClinVar aggregate classification (germline): Uncertain significance (1 of 4 stars; one submission).

Submission:

GeneDx
Classification: Uncertain significance. Last evaluated: 2026-08-06. Review status: criteria provided, single submitter. Criteria: GeneDx Variant Classification Process June 2021. Collection method: clinical testing. Allele origin: germline.
Comment: Not observed at significant frequency in large population cohorts (gnomAD); In silico analysis supports that this missense variant has a deleterious effect on protein structure/function; Has not been previously published as pathogenic or benign to our knowledge; In silico analysis is inconclusive as to whether the variant alters gene splicing. In the absence of RNA/functional studies, the actual effect of this sequence change is unknown.